The following is an entry in ClinVar:

NM_001257308.2(MINAR2):c.477_479del (p.Glu160del)

Gene: MINAR2 (membrane integral NOTCH2 associated receptor 2; plus strand). Cytogenetic location: 5q23.3.
Variant type: Deletion.
Coding change: c.477_479del on transcript NM_001257308.2 (MANE Select); coding-DNA positions 477 to 479, 3 bases deleted (AGA; older notation c.477_479delAGA).
Protein change: p.Glu160del; deletes glutamic acid 160.
Molecular consequence: inframe deletion.
Genome position (GRCh38, 1-based): chr5:129,764,967-129,764,969, AGA deleted; deleting any 3 consecutive bases within chr5:129,764,966-129,764,969 gives the same sequence; the c. name uses the placement nearest the transcript's 3' end. VCF-style (leftmost placement, unchanged base first): chr5-129764965-CAAG-C. GRCh37 (hg19) VCF-style: chr5-129100658-CAAG-C.
Other names: short protein forms E160del.
Identifiers: ClinVar variation 4989691 (VCV004989691.1).

ClinVar aggregate classification (germline): Likely benign (1 of 4 stars; one submission).

Conditions:
MINAR2-related condition.

Submission:

PreventionGenetics, part of Exact Sciences
Classification: Likely benign for MINAR2-related condition. Last evaluated: 2024-11-06. Review status: criteria provided, single submitter. Criteria: ACMG Guidelines, 2015. Collection method: clinical testing. Allele origin: germline.
Comment: This variant is classified as likely benign based on ACMG/AMP sequence variant interpretation guidelines (Richards et al. 2015 PMID: 25741868, with internal and published modifications).